The following is an entry in ClinVar:

NM_001375524.1(TRRAP):c.5588G>A (p.Ser1863Asn)

Gene: TRRAP (transformation/transcription domain associated protein; plus strand). Cytogenetic location: 7q22.1.
Variant type: single nucleotide variant.
Coding change: c.5588G>A on transcript NM_001375524.1 (MANE Select); coding-DNA position 5588, G replaced by A.
Protein change: p.Ser1863Asn; replaces serine 1863 with asparagine.
Molecular consequence: missense variant.
Genome position (GRCh38, 1-based): chr7:98,953,291, G>A. VCF-style: chr7-98953291-G-A. GRCh37 (hg19) VCF-style: chr7-98550914-G-A.
Other names: c.5567G>A, p.Ser1856Asn (NM_001244580.2); c.5513G>A, p.Ser1838Asn (NM_003496.4); short protein forms S1838N, S1856N, S1863N.
Identifiers: ClinVar variation 2663148 (VCV002663148.1), dbSNP rs2484867693, ClinGen allele CA368320511.

ClinVar aggregate classification (germline): Uncertain significance (1 of 4 stars; one submission).

Allele frequency attached by ClinVar (database versions not stated): gnomAD exomes below 0.00001.
gnomAD v4.1: 2 of 1,613,938 alleles (0.00012%); highest among the groups gnomAD compares: East Asian, 0.0022%; no homozygotes.

Submission:

GeneDx
Classification: Uncertain significance. Last evaluated: 2023-05-10. Review status: criteria provided, single submitter. Criteria: GeneDx Variant Classification Process June 2021. Collection method: clinical testing. Allele origin: germline. Affected: yes.
Comment: Not observed at significant frequency in large population cohorts (gnomAD); In silico analysis supports that this missense variant does not alter protein structure/function; Has not been previously published as pathogenic or benign to our knowledge